The following is an entry in ClinVar:

ClinVar aggregate classification (germline): Conflicting classifications of pathogenicity. Review status: criteria provided, conflicting classifications (1 of 4 stars). 4 submissions from 4 submitters: Uncertain significance (1); Likely benign (3). Last evaluated 2026-02-01.

Conditions:
Epidermolysis bullosa simplex, Ogna type (EBS5A). Also called: Pidermolysis bullosa simplex 5A, Ogna type; EPIDERMOLYSIS BULLOSA SIMPLEX 5A, OGNA TYPE. Identifiers: Orphanet 79401, MedGen C0432317, MONDO:0007555, OMIM 131950.
Epidermolysis bullosa simplex 5C, with pyloric atresia (EBS5C). Also called: PLEC-Related Epidermolysis Bullosa with Pyloric Atresia; Epidermolysis bullosa simplex with pyloric atresia; PLEC1-Related Epidermolysis Bullosa with Pyloric Atresia. Identifiers: Orphanet 158684, MedGen C2677349, MONDO:0012807, OMIM 612138.
Epidermolysis bullosa simplex 5B, with muscular dystrophy (EBS5B). Also called: Epidermolysis bullosa simplex with muscular dystrophy; EPIDERMOLYSIS BULLOSA SIMPLEX AND LIMB-GIRDLE MUSCULAR DYSTROPHY. Identifiers: Orphanet 257, MedGen C2931072, MONDO:0009181, OMIM 226670.
Autosomal recessive limb-girdle muscular dystrophy type 2Q (LGMDR17). Also called: MUSCULAR DYSTROPHY, LIMB-GIRDLE, AUTOSOMAL RECESSIVE 17. Identifiers: Orphanet 254361, MedGen C3150989, MONDO:0013390, OMIM 613723.
Epidermolysis bullosa simplex with nail dystrophy (EBS5D). Identifiers: MedGen C4225309, MONDO:0014661, OMIM 616487.

Allele frequency attached by ClinVar (database versions not stated): TOPMed 0.00004; gnomAD 0.00007 and 0.00008; gnomAD exomes 0.00007; ESP Exome Variant Server 0.00008; ExAC 0.00010.
gnomAD v4.1: 91 of 1,611,498 alleles (0.0056%); highest among the groups gnomAD compares: East Asian, 0.0067%; no homozygotes.

Submissions (4):

Labcorp Genetics (formerly Invitae), Labcorp
Classification: Likely benign for Autosomal recessive limb-girdle muscular dystrophy type 2Q; Epidermolysis bullosa simplex, Ogna type; Epidermolysis bullosa simplex with nail dystrophy; Epidermolysis bullosa simplex 5C, with pyloric atresia; Epidermolysis bullosa simplex 5B, with muscular dystrophy. Last evaluated: 2026-02-01. Review status: criteria provided, single submitter. Criteria: Invitae Variant Classification Sherloc (09022015). Collection method: clinical testing. Allele origin: germline.

Blueprint Genetics
Classification: Likely benign. Last evaluated: 2024-11-22. Review status: criteria provided, single submitter. Criteria: ACMG Guidelines, 2015. Collection method: clinical testing. Allele origin: germline.

CeGaT Center for Human Genetics Tuebingen
Classification: Likely benign. Last evaluated: 2023-02-01. Review status: criteria provided, single submitter. Criteria: CeGaT Center For Human Genetics Tuebingen Variant Classification Criteria Version 2. Collection method: clinical testing. Allele origin: germline. Affected: yes. Observed: 1 variant allele.
Comment: PLEC: BP4, BP7

Eurofins Ntd Llc (ga)
Classification: Uncertain significance. Last evaluated: 2014-07-20. Review status: criteria provided, single submitter. Criteria: EGL Classification Definitions 2015. Collection method: clinical testing. Allele origin: germline. Observed: 2 variant alleles, 2 heterozygotes.

NM_201384.3(PLEC):c.933C>T (p.Phe311=)

Gene: PLEC (plectin; minus strand). Cytogenetic location: 8q24.3.
Variant type: single nucleotide variant.
Coding change: c.933C>T on transcript NM_201384.3 (MANE Select); coding-DNA position 933, C replaced by T.
Protein change: p.Phe311=; no amino-acid change (phenylalanine 311 retained).
Molecular consequence: synonymous variant.
Genome position (GRCh38, 1-based): chr8:143,934,822, G>A on the plus strand (C>T on the coding strand, the complement: PLEC is on the minus strand). VCF-style: chr8-143934822-G-A. GRCh37 (hg19) VCF-style: chr8-145008990-G-A.
Other names: c.1014C>T, p.Phe338= (NM_000445.5); c.891C>T, p.Phe297= (NM_201378.4); c.867C>T, p.Phe289= (NM_201379.3); c.1344C>T, p.Phe448= (NM_201380.4); c.837C>T, p.Phe279= (NM_201381.3); c.933C>T, p.Phe311= (NM_201382.4); c.945C>T, p.Phe315= (NM_201383.3).
Identifiers: ClinVar variation 193586 (VCV000193586.38), dbSNP rs369363676, ClinGen allele CA239120.
Genomic context (GRCh38, chr8:143,934,822, plus strand): 5'-CGGGCTCTCAGGGCAGGCCCAGGACCCCGCCCCCCACGGCAGGCCCACCTCAATCTCCTC[G>A]AAGCTGGAGGGGAACCTGCGTTCCTCAAAGGCGGCCGTGTGGTGTCGCATCCACTGAAGC-3'
Protein context (NP_958786.1, residues 301-321): AFEERRFPSS[Phe311=]EEIEILWSQF